The following is an entry in ClinVar:

ClinVar aggregate classification (germline): not provided (0 of 4 stars; one submission).

Conditions:
Preeclampsia. Identifiers: Orphanet 275555, MedGen C0032914, MONDO:0005081, HP:0100602.

Submission:

Institute of Molecular and Cell Biology, University of Tartu
No classification provided. Condition: Preeclampsia. Review status: no classification provided. Collection method: case-control. Allele origin: unknown. Affected: yes. Study: Kasak2014.
Comment: The study aimed to determine the contribution of copy number variants in the genetic etiology of normal and complicated pregnancies. The samples represented (i) maternal blood DNA drawn from healthy pregnant women during 1st or 2nd trimester and (ii) maternal and paternal blood DNA drawn at term pregnancy cases representing normal and complicated gestations (severe preeclampsia, PE; gestational diabetes, GD; small-for-gestational age newborn, SGA; large-for-gestational age newborn, LGA). We performed CNV calling based on genome-wide genotyping dataset (Illumina HumanOmniExpress-24-v1 BeadChip) by applying three algorithms, QuantiSNP, GADA (Genome Alteration Detection Algorithm) and CNstream in parallel. The acquired CNV calls were merged with HD-CNV (Hotspot Detector for Copy Number Variants) program and only the CNVs predicted by at least two programs, were considered in subsequent analysis.

Literature cited by the submitters: PubMed 25666259.

NC_000008.11:g.5741877_5750141del

Variant type: Deletion.
Genome position: GRCh38: chr8:5,741,877-5,750,141. GRCh37 (hg19): chr8:5,599,399-5,607,663.
Identifiers: ClinVar variation 157090 (VCV000157090.3), ClinGen allele CA212213.